The following is an entry in ClinVar:

ClinVar aggregate classification (germline): Likely benign. Review status: criteria provided, multiple submitters, no conflicts (2 of 4 stars). 3 submissions from 3 submitters: Likely benign (3). Last evaluated 2025-06-22.

Conditions:
TTN-related disorder. Also called: TTN-related condition; TTN-related disease; TTN-related disorders.
Autosomal recessive limb-girdle muscular dystrophy type 2J (LGMDR10). Also called: Limb-girdle muscular dystrophy, type 2J; MUSCULAR DYSTROPHY, LIMB-GIRDLE, AUTOSOMAL RECESSIVE 10. Identifiers: Orphanet 140922, MedGen C1837342, MONDO:0012127, OMIM 608807.
Dilated cardiomyopathy 1G (CMD1G). Identifiers: Orphanet 154, MedGen C1858763, MONDO:0011400, OMIM 604145.
Cardiovascular phenotype. Identifiers: MedGen CN230736.

Allele frequency attached by ClinVar (database versions not stated): gnomAD exomes 0.00001 and 0.00003; TOPMed 0.00001; ExAC 0.00002; gnomAD 0.00002; ESP Exome Variant Server 0.00008.
gnomAD v4.1: 44 of 1,612,854 alleles (0.0027%); highest among the groups gnomAD compares: Non-Finnish European, 0.0034%; no homozygotes.

Submissions (3):

Labcorp Genetics (formerly Invitae), Labcorp
Classification: Likely benign for Dilated cardiomyopathy 1G; Autosomal recessive limb-girdle muscular dystrophy type 2J. Last evaluated: 2025-06-22. Review status: criteria provided, single submitter. Criteria: Invitae Variant Classification Sherloc (09022015). Collection method: clinical testing. Allele origin: germline.

PreventionGenetics, part of Exact Sciences
Classification: Likely benign for TTN-related condition. Last evaluated: 2025-05-02. Review status: criteria provided, single submitter. Criteria: ACMG Guidelines, 2015. Collection method: clinical testing. Allele origin: germline.
Comment: This variant is classified as likely benign based on ACMG/AMP sequence variant interpretation guidelines (Richards et al. 2015 PMID: 25741868, with internal and published modifications).

Ambry Genetics
Classification: Likely benign for Cardiovascular phenotype. Last evaluated: 2024-05-26. Review status: criteria provided, single submitter. Criteria: Ambry Variant Classification Scheme 2023. Collection method: clinical testing. Allele origin: germline.

NM_001267550.2(TTN):c.50484T>C (p.Ala16828=)

Genes: TTN (titin; minus strand), TTN-AS1 (TTN antisense RNA 1; plus strand). Cytogenetic location: 2q31.2.
Variant type: single nucleotide variant.
Coding change: c.50484T>C on transcript NM_001267550.2 (MANE Select); coding-DNA position 50484, T replaced by C.
Protein change: p.Ala16828=; no amino-acid change (alanine 16828 retained).
Molecular consequence: synonymous variant.
Genome position (GRCh38, 1-based): chr2:178,611,825, A>G on the plus strand (T>C on the coding strand, the complement: TTN is on the minus strand). VCF-style: chr2-178611825-A-G. GRCh37 (hg19) VCF-style: chr2-179476552-A-G.
Other names: c.45561T>C, p.Ala15187= (NM_001256850.1); c.23289T>C, p.Ala7763= (NM_003319.4); c.42780T>C, p.Ala14260= (NM_133378.4); c.23664T>C, p.Ala7888= (NM_133432.3); c.23865T>C, p.Ala7955= (NM_133437.4).
Identifiers: ClinVar variation 1118994 (VCV001118994.13), dbSNP rs376278734, ClinGen allele CA1994368.